The following is an entry in ClinVar:

NM_001382391.1(CSPP1):c.434G>A (p.Gly145Asp)

Gene: CSPP1 (centrosome and spindle pole associated protein 1; plus strand). Cytogenetic location: 8q13.1.
Variant type: single nucleotide variant.
Coding change: c.434G>A on transcript NM_001382391.1 (MANE Select); coding-DNA position 434, G replaced by A.
Protein change: p.Gly145Asp; replaces glycine 145 with aspartic acid.
Molecular consequence: missense variant. On other transcripts: 5 prime UTR variant (1).
Genome position (GRCh38, 1-based): chr8:67,093,592, G>A. VCF-style: chr8-67093592-G-A. GRCh37 (hg19) VCF-style: chr8-68005827-G-A.
Other names: c.-422G>A (NM_001291339.2); c.353G>A, p.Gly118Asp (NM_001363131.2, NM_001363133.2); c.434G>A, p.Gly145Asp (NM_001363132.2); c.542G>A, p.Gly181Asp (NM_001364869.1); c.461G>A, p.Gly154Asp (NM_001364870.1, NM_024790.7); short protein forms G118D, G145D, G154D, G181D.
Identifiers: ClinVar variation 2143638 (VCV002143638.3), dbSNP rs760349476, ClinGen allele CA4770288.

ClinVar aggregate classification (germline): Conflicting classifications of pathogenicity. Review status: criteria provided, conflicting classifications (1 of 4 stars). 2 submissions from 2 submitters: Uncertain significance (1); Likely benign (1). Last evaluated 2023-06-06.

Conditions:
Inborn genetic diseases. Identifiers: MedGen C0950123, MeSH D030342.
Joubert syndrome 21 (JBTS21). Identifiers: MedGen C3810212, MONDO:0014288, OMIM 615636.

Allele frequency attached by ClinVar (database versions not stated): gnomAD exomes below 0.00001; TOPMed below 0.00001; ExAC 0.00001.
gnomAD v4.1: 2 of 1,612,882 alleles (0.00012%); highest among the groups gnomAD compares: East Asian, 0.0022%; no homozygotes.

Submissions (2):

Ambry Genetics
Classification: Likely benign for Inborn genetic diseases. Last evaluated: 2023-06-06. Review status: criteria provided, single submitter. Criteria: Ambry Variant Classification Scheme 2023. Collection method: clinical testing. Allele origin: germline.

Labcorp Genetics (formerly Invitae), Labcorp
Classification: Uncertain significance for Joubert syndrome 21. Last evaluated: 2022-07-06. Review status: criteria provided, single submitter. Criteria: Invitae Variant Classification Sherloc (09022015). Collection method: clinical testing. Allele origin: germline.
Comment: This sequence change replaces glycine, which is neutral and non-polar, with aspartic acid, which is acidic and polar, at codon 154 of the CSPP1 protein (p.Gly154Asp). This variant is present in population databases (rs760349476, gnomAD 0.006%). This variant has not been reported in the literature in individuals affected with CSPP1-related conditions. Algorithms developed to predict the effect of missense changes on protein structure and function output the following: SIFT: "Tolerated"; PolyPhen-2: "Benign"; Align-GVGD: "Class C0". The aspartic acid amino acid residue is found in multiple mammalian species, which suggests that this missense change does not adversely affect protein function. In summary, the available evidence is currently insufficient to determine the role of this variant in disease. Therefore, it has been classified as a Variant of Uncertain Significance.